The following is an entry in ClinVar:

ClinVar aggregate classification (germline): Uncertain significance (1 of 4 stars; one submission).

Conditions:
Hereditary cancer-predisposing syndrome. Also called: Neoplastic Syndromes, Hereditary; Tumor predisposition; Hereditary neoplastic syndrome; Hereditary Cancer Syndrome. Identifiers: Orphanet 140162, MedGen C0027672, MeSH D009386, MONDO:0015356.

Submission:

Ambry Genetics
Classification: Uncertain significance for Hereditary cancer-predisposing syndrome. Last evaluated: 2023-02-07. Review status: criteria provided, single submitter. Criteria: Ambry Variant Classification Scheme 2023. Collection method: clinical testing. Allele origin: germline.
Comment: The c.2024delT variant, located in coding exon 18 of the MRE11A gene, results from a deletion of one nucleotide at nucleotide position 2024, causing a translational frameshift with a predicted alternate stop codon (p.M675Sfs*24). This alteration occurs at the 3' terminus of theMRE11A gene, is not expected to trigger nonsense-mediated mRNAdecay, and only impacts the last 4.8%, 34 amino acids, of the protein. The exact functional effect of this alteration is unknown. Since supporting evidence is limited at this time, the clinical significance of this alteration remains unclear.

NM_005591.4(MRE11):c.2024del (p.Met675fs)

Gene: MRE11 (MRE11 double strand break repair nuclease; minus strand). Cytogenetic location: 11q21.
Variant type: Deletion.
Coding change: c.2024del on transcript NM_005591.4 (MANE Select); coding-DNA position 2024, one base deleted (T; older notation c.2024delT).
Protein change: p.Met675fs; shifts the reading frame from methionine 675.
Molecular consequence: frameshift variant.
Genome position (GRCh38, 1-based): chr11:94,429,957, A deleted on the plus strand (T on the coding strand, the reverse complement: MRE11 is on the minus strand). VCF-style (leftmost placement, unchanged base first): chr11-94429956-CA-C. GRCh37 (hg19) VCF-style: chr11-94163122-CA-C.
Other names: c.2021del, p.Met674fs (NM_001330347.2); c.1940del, p.Met647fs (NM_005590.4); short protein forms M674fs, M647fs, M675fs.
Identifiers: ClinVar variation 2451367 (VCV002451367.2), dbSNP rs2496166055, ClinGen allele CA2580085052.